The following is an entry in ClinVar:

ClinVar aggregate classification (germline): Uncertain significance. Review status: criteria provided, multiple submitters, no conflicts (2 of 4 stars). 2 submissions from 2 submitters: Uncertain significance (2). Last evaluated 2024-12-29.

Conditions:
Hereditary cancer-predisposing syndrome. Also called: Neoplastic Syndromes, Hereditary; Tumor predisposition; Hereditary neoplastic syndrome; Hereditary Cancer Syndrome. Identifiers: Orphanet 140162, MedGen C0027672, MeSH D009386, MONDO:0015356.
Hereditary breast ovarian cancer syndrome. Also called: Hereditary breast and ovarian cancer syndrome; Hereditary breast and ovarian cancer; Hereditary breast and ovarian cancer syndrome (HBOC); Breast and ovarian cancer; Hereditary breast and/or ovarian cancer syndrome; BRCA1- and BRCA2-Associated Hereditary Breast and Ovarian Cancer. Identifiers: Orphanet 145, MedGen C0677776, MeSH D061325, MONDO:0003582. Disease mechanism: loss of function.

Allele frequency attached by ClinVar (database versions not stated): gnomAD exomes below 0.00001.
gnomAD v4.1: 1 of 1,613,456 alleles (0.000062%); highest among the groups gnomAD compares: Non-Finnish European, 0.000085%; no homozygotes.

Submissions (2):

Labcorp Genetics (formerly Invitae), Labcorp
Classification: Uncertain significance for Hereditary breast ovarian cancer syndrome. Last evaluated: 2024-12-29. Review status: criteria provided, single submitter. Criteria: Invitae Variant Classification Sherloc (09022015). Collection method: clinical testing. Allele origin: germline.
Comment: This sequence change replaces serine, which is neutral and polar, with leucine, which is neutral and non-polar, at codon 1457 of the BRCA1 protein (p.Ser1457Leu). This variant is not present in population databases (gnomAD no frequency). This variant has not been reported in the literature in individuals affected with BRCA1-related conditions. ClinVar contains an entry for this variant (Variation ID: 824837). Invitae Evidence Modeling of protein sequence and biophysical properties (such as structural, functional, and spatial information, amino acid conservation, physicochemical variation, residue mobility, and thermodynamic stability) indicates that this missense variant is not expected to disrupt BRCA1 protein function with a negative predictive value of 95%. Algorithms developed to predict the effect of sequence changes on RNA splicing suggest that this variant may disrupt the consensus splice site. In summary, the available evidence is currently insufficient to determine the role of this variant in disease. Therefore, it has been classified as a Variant of Uncertain Significance.

Ambry Genetics
Classification: Uncertain significance for Hereditary cancer-predisposing syndrome. Last evaluated: 2022-09-16. Review status: criteria provided, single submitter. Criteria: Ambry Variant Classification Scheme 2023. Collection method: clinical testing. Allele origin: germline.
Comment: The p.S1457L variant (also known as c.4370C>T), located in coding exon 12 of the BRCA1 gene, results from a C to T substitution at nucleotide position 4370. The serine at codon 1457 is replaced by leucine, an amino acid with dissimilar properties. This amino acid position is highly conserved in available vertebrate species. In addition, the in silico prediction for this alteration is inconclusive. Since supporting evidence is limited at this time, the clinical significance of this alteration remains unclear.

NM_007294.4(BRCA1):c.4370C>T (p.Ser1457Leu)

Gene: BRCA1 (BRCA1 DNA repair associated; minus strand). Cytogenetic location: 17q21.31.
Variant type: single nucleotide variant.
Coding change: c.4370C>T on transcript NM_007294.4 (MANE Select); coding-DNA position 4370, C replaced by T.
Protein change: p.Ser1457Leu; replaces serine 1457 with leucine.
Molecular consequence: missense variant. On other transcripts: non-coding transcript variant (1).
Genome position (GRCh38, 1-based): chr17:43,076,602, G>A on the plus strand (C>T on the coding strand, the complement: BRCA1 is on the minus strand). VCF-style: chr17-43076602-G-A. GRCh37 (hg19) VCF-style: chr17-41228619-G-A.
Other names: c.4226C>T, p.Ser1409Leu (NM_001407737.1, NM_001407738.1, NM_001407739.1 and 21 more transcripts); c.4223C>T, p.Ser1408Leu (NM_001407838.1, NM_001407839.1, NM_001407841.1 and 12 more transcripts); c.4370C>T, p.Ser1457Leu (NM_001407854.1, NM_001407593.1, NM_001407594.1 and 8 more transcripts); c.4367C>T, p.Ser1456Leu (NM_001407858.1, NM_001407859.1, NM_001407860.1 and 17 more transcripts); c.4364C>T, p.Ser1455Leu (NM_001407861.1, NM_001407627.1, NM_001407628.1 and 14 more transcripts); c.4169C>T, p.Ser1390Leu (NM_001407862.1); c.4244C>T, p.Ser1415Leu (NM_001407863.1, NM_001407939.1, NM_001407940.1 and 11 more transcripts); c.4163C>T, p.Ser1388Leu (NM_001407874.1, NM_001407875.1); and 68 more; short protein forms S1478L, S1410L, S1457L, S353L, S1367L, S1369L, S1409L, S1415L.
Identifiers: ClinVar variation 824837 (VCV000824837.13), dbSNP rs80357130, ClinGen allele CA10592800.